The following is an entry in ClinVar:

NM_015338.6(ASXL1):c.1575A>C (p.Lys525Asn)

Gene: ASXL1 (ASXL transcriptional regulator 1; plus strand). Cytogenetic location: 20q11.21.
Variant type: single nucleotide variant.
Coding change: c.1575A>C on transcript NM_015338.6 (MANE Select); coding-DNA position 1575, A replaced by C.
Protein change: p.Lys525Asn; replaces lysine 525 with asparagine.
Molecular consequence: missense variant.
Genome position (GRCh38, 1-based): chr20:32,433,773, A>C. VCF-style: chr20-32433773-A-C. GRCh37 (hg19) VCF-style: chr20-31021576-A-C.
Other names: c.1392A>C, p.Lys464Asn (NM_001363734.1); short protein forms K525N, K464N.
Identifiers: ClinVar variation 3439627 (VCV003439627.1).

ClinVar aggregate classification (germline): Uncertain significance (1 of 4 stars; one submission).

Conditions:
Inborn genetic diseases. Identifiers: MedGen C0950123, MeSH D030342.

gnomAD v4.1: 8 of 1,614,224 alleles (0.0005%); highest among the groups gnomAD compares: Non-Finnish European, 0.00068%; no homozygotes.

Submission:

Ambry Genetics
Classification: Uncertain significance for Inborn genetic diseases. Last evaluated: 2024-12-07. Review status: criteria provided, single submitter. Criteria: Ambry Variant Classification Scheme 2023. Collection method: clinical testing. Allele origin: germline.
Comment: The p.K525N variant (also known as c.1575A>C), located in coding exon 12 of the ASXL1 gene, results from an A to C substitution at nucleotide position 1575. The lysine at codon 525 is replaced by asparagine, an amino acid with similar properties. This amino acid position is conserved. In addition, this alteration is predicted to be tolerated by in silico analysis. Based on the available evidence, the clinical significance of this variant remains unclear.